The following is an entry in ClinVar:

NM_203447.4(DOCK8):c.4078G>T (p.Val1360Phe)

Gene: DOCK8 (dedicator of cytokinesis 8; plus strand). Cytogenetic location: 9p24.3.
Variant type: single nucleotide variant.
Coding change: c.4078G>T on transcript NM_203447.4 (MANE Select); coding-DNA position 4078, G replaced by T.
Protein change: p.Val1360Phe; replaces valine 1360 with phenylalanine.
Molecular consequence: missense variant.
Genome position (GRCh38, 1-based): chr9:421,003, G>T. VCF-style: chr9-421003-G-T. GRCh37 (hg19) VCF-style: chr9-421003-G-T.
Other names: c.3874G>T, p.Val1292Phe (NM_001193536.2); c.3778G>T, p.Val1260Phe (NM_001190458.2); short protein forms V1260F, V1292F, V1360F.
Identifiers: ClinVar variation 1501104 (VCV001501104.6), dbSNP rs1462351448, ClinGen allele CA372764387.

ClinVar aggregate classification (germline): Uncertain significance (1 of 4 stars; one submission).

Conditions:
Combined immunodeficiency due to DOCK8 deficiency (HIES2). Also called: HIES autosomal recessive; DOCK8 Deficiency; Hyper-IgE recurrent infection syndrome, autosomal recessive; HYPER-IgE RECURRENT INFECTION SYNDROME 2, AUTOSOMAL RECESSIVE; HYPER-IgE SYNDROME 2, AUTOSOMAL RECESSIVE, WITH RECURRENT INFECTIONS. Identifiers: Orphanet 217390, MedGen C4722305, MONDO:0009478, OMIM 243700.

Allele frequency attached by ClinVar (database versions not stated): TOPMed below 0.00001.
gnomAD v4.1: 9 of 1,614,216 alleles (0.00056%); highest among the groups gnomAD compares: Non-Finnish European, 0.00076%; no homozygotes.

Submission:

Labcorp Genetics (formerly Invitae), Labcorp
Classification: Uncertain significance for Combined immunodeficiency due to DOCK8 deficiency. Last evaluated: 2022-03-28. Review status: criteria provided, single submitter. Criteria: Invitae Variant Classification Sherloc (09022015). Collection method: clinical testing. Allele origin: germline.
Comment: This sequence change replaces valine, which is neutral and non-polar, with phenylalanine, which is neutral and non-polar, at codon 1360 of the DOCK8 protein (p.Val1360Phe). In summary, the available evidence is currently insufficient to determine the role of this variant in disease. Therefore, it has been classified as a Variant of Uncertain Significance. Algorithms developed to predict the effect of missense changes on protein structure and function are either unavailable or do not agree on the potential impact of this missense change (SIFT: "Deleterious"; PolyPhen-2: "Possibly Damaging"; Align-GVGD: "Class C0"). This variant has not been reported in the literature in individuals affected with DOCK8-related conditions. This variant is not present in population databases (gnomAD no frequency).